The following is an entry in ClinVar:

ClinVar aggregate classification (germline): Uncertain significance (1 of 4 stars; one submission).

Conditions:
Von Hippel-Lindau syndrome (VHLS). Also called: Von Hippel-Lindau; von Hippel–Lindau syndrome; VHL syndrome. Identifiers: Orphanet 892, MedGen C0019562, MONDO:0008667, OMIM 193300. Disease mechanism: loss of function.

Allele frequency attached by ClinVar (database versions not stated): gnomAD exomes below 0.00001.

Submission:

All of Us Research Program, National Institutes of Health
Classification: Uncertain significance for Von Hippel-Lindau syndrome. Last evaluated: 2023-10-23. Review status: criteria provided, single submitter. Criteria: ACMG Guidelines, 2015. Collection method: clinical testing. Allele origin: germline. Inheritance: Autosomal dominant inheritance. Observed: 1 variant allele, 1 heterozygote.
Comment: This variant causes a one nucleotide insertion in the 5' untranslated region of the VHL gene. To our knowledge, functional studies have not been reported for this variant. This variant has not been reported in individuals affected with VHL-related disorders in the literature. This variant has not been identified in the general population by the Genome Aggregation Database (gnomAD). The available evidence is insufficient to determine the role of this variant in disease conclusively. Therefore, this variant is classified as a Variant of Uncertain Significance.

This study involves interpretation of variants in research participants for the purpose of population health screening. Participant phenotype was not available at the time of variant classification. Additional details can be found in publication PMID: 35346344, PMCID: PMC8962531

NM_000551.4(VHL):c.-5dup

Gene: VHL (von Hippel-Lindau tumor suppressor; plus strand). Cytogenetic location: 3p25.3.
Variant type: Duplication.
Coding change: c.-5dup on transcript NM_000551.4 (MANE Select); 5 bases upstream of the start codon, one base duplicated (A; older notation c.-5dupA).
Molecular consequence: 5 prime UTR variant. On other transcripts: non-coding transcript variant (1).
Genome position (GRCh38, 1-based): chr3:10,141,843, A duplicated. VCF-style (leftmost placement, unchanged base first): chr3-10141842-G-GA. GRCh37 (hg19) VCF-style: chr3-10183526-G-GA.
Other names: c.-5dup (NM_001354723.2, NM_198156.3).
Identifiers: ClinVar variation 3074064 (VCV003074064.1), dbSNP rs1696112043, ClinGen allele CA1345064703.
Genomic context (GRCh38, chr3:10,141,842, plus strand): 5'-CTCCGCCCCGCGTCCGACCCGCGGATCCCGCGGCGTCCGGCCCGGGTGGTCTGGATCGCG[G>GA]AGGGAATGCCCCGGAGGGCGGAGAACTGGGACGAGGCCGAGGTAGGCGCGGAGGAGGCAG-3'